The following is an entry in ClinVar:

ClinVar aggregate classification (germline): Likely pathogenic (1 of 4 stars; one submission).

Conditions:
Asphyxiating thoracic dystrophy 3. Also called: POLYDACTYLY WITH NEONATAL CHONDRODYSTROPHY, TYPE I; SHORT-RIB THORACIC DYSPLASIA 3/6 WITH POLYDACTYLY, DIGENIC; SHORT-RIB THORACIC DYSPLASIA 3 WITH OR WITHOUT POLYDACTYLY; Saldino-Noonan Syndrome; Short rib polydactyly syndrome 2B. Identifiers: Orphanet 474, Orphanet 93269, Orphanet 93270, Orphanet 93271, MedGen C0036069, MONDO:0013127, OMIM 613091.

Submission:

Juno Genomics, Hangzhou Juno Genomics, Inc
Classification: Likely pathogenic for Asphyxiating thoracic dystrophy 3. Review status: criteria provided, single submitter. Criteria: ACMG Guidelines, 2015. Collection method: clinical testing. Allele origin: germline.
Comment: Null variant in a gene where loss of function (LOF) is a known mechanism of disease.;Absent from controls (or at extremely low frequency if recessive) in Genome Aggregation Database.

NM_001377.3(DYNC2H1):c.3573+1G>A

Gene: DYNC2H1 (dynein cytoplasmic 2 heavy chain 1; plus strand). Cytogenetic location: 11q22.3.
Variant type: single nucleotide variant.
Coding change: c.3573+1G>A on transcript NM_001377.3 (MANE Select); the canonical splice donor site of the intron after coding-DNA position 3573, G replaced by A.
Molecular consequence: splice donor variant.
Genome position (GRCh38, 1-based): chr11:103,154,810, G>A. VCF-style: chr11-103154810-G-A. GRCh37 (hg19) VCF-style: chr11-103025539-G-A.
Other names: c.3573+1G>A (NM_001080463.2).
Identifiers: ClinVar variation 5038014 (VCV005038014.2).